The following is an entry in ClinVar:

NM_000152.5(GAA):c.613C>T (p.Pro205Ser)

Gene: GAA (alpha glucosidase; plus strand). Cytogenetic location: 17q25.3.
Variant type: single nucleotide variant.
Coding change: c.613C>T on transcript NM_000152.5 (MANE Select); coding-DNA position 613, C replaced by T.
Protein change: p.Pro205Ser; replaces proline 205 with serine.
Molecular consequence: missense variant.
Genome position (GRCh38, 1-based): chr17:80,105,815, C>T. VCF-style: chr17-80105815-C-T. GRCh37 (hg19) VCF-style: chr17-78079614-C-T.
Other names: c.613C>T, p.Pro205Ser (NM_001079803.3, NM_001079804.3, NM_001406741.1 and 1 more transcripts); c.613C>T (NM_000152.4); short protein forms P205S.
Identifiers: ClinVar variation 1996104 (VCV001996104.5), dbSNP rs1341008786, ClinGen allele CA401362294.

ClinVar aggregate classification (germline): Uncertain significance. Review status: criteria provided, single submitter (1 of 4 stars). 2 submissions from 2 submitters: Uncertain significance (1). 1 of the submissions does not count toward it. Last evaluated 2022-05-18.

Conditions:
Glycogen storage disease, type II (IOPD). Also called: Glucosidase acid-1,4-alpha deficiency; Pompe Disease; POMPE DISEASE, INFANTILE-ONSET; GLYCOGEN STORAGE DISEASE II, INFANTILE-ONSET; ACID ALPHA-GLUCOSIDASE DEFICIENCY, INFANTILE-ONSET; GAA DEFICIENCY, INFANTILE-ONSET. Identifiers: Orphanet 365, MedGen C0017921, MONDO:0009290, OMIM 232300.

gnomAD v4.1: 2 of 1,610,806 alleles (0.00012%); highest among the groups gnomAD compares: South Asian, 0.0022%; no homozygotes.

Submissions (2):

Labcorp Genetics (formerly Invitae), Labcorp
Classification: Uncertain significance for Glycogen storage disease, type II. Last evaluated: 2022-05-18. Review status: criteria provided, single submitter. Criteria: Invitae Variant Classification Sherloc (09022015). Collection method: clinical testing. Allele origin: germline.
Comment: In summary, the available evidence is currently insufficient to determine the role of this variant in disease. Therefore, it has been classified as a Variant of Uncertain Significance. Advanced modeling of protein sequence and biophysical properties (such as structural, functional, and spatial information, amino acid conservation, physicochemical variation, residue mobility, and thermodynamic stability) performed at Invitae indicates that this missense variant is not expected to disrupt GAA protein function. This sequence change replaces proline, which is neutral and non-polar, with serine, which is neutral and polar, at codon 205 of the GAA protein (p.Pro205Ser). This variant is not present in population databases (gnomAD no frequency). This variant has not been reported in the literature in individuals affected with GAA-related conditions.

Natera, Inc.
Classification: Uncertain significance for Glycogen storage disease type II. Last evaluated: 2025-05-05. Review status: no assertion criteria provided. Collection method: clinical testing. Allele origin: germline. Not counted in ClinVar's aggregate classification.